The following is an entry in ClinVar:

ClinVar aggregate classification (germline): Uncertain significance. Review status: criteria provided, multiple submitters, no conflicts (2 of 4 stars). 2 submissions from 2 submitters: Uncertain significance (2). Last evaluated 2025-10-10.

Conditions:
Erythrocytosis, familial, 3 (ECYT3). Identifiers: Orphanet 247511, MedGen C1853286, MONDO:0012353, OMIM 609820.

Allele frequency attached by ClinVar (database versions not stated): gnomAD exomes 0.00001.
gnomAD v4.1: 4 of 1,614,136 alleles (0.00025%); highest among the groups gnomAD compares: East Asian, 0.0089%; no homozygotes.

Submissions (2):

Labcorp Genetics (formerly Invitae), Labcorp
Classification: Uncertain significance for Erythrocytosis, familial, 3. Last evaluated: 2025-10-10. Review status: criteria provided, single submitter. Criteria: Invitae Variant Classification Sherloc (09022015). Collection method: clinical testing. Allele origin: germline.
Comment: This sequence change replaces threonine, which is neutral and polar, with alanine, which is neutral and non-polar, at codon 236 of the EGLN1 protein (p.Thr236Ala). This variant is present in population databases (no rsID available, gnomAD 0.01%). This variant has not been reported in the literature in individuals affected with EGLN1-related conditions. ClinVar contains an entry for this variant (Variation ID: 1756982). An algorithm developed to predict the effect of missense changes on protein structure and function (PolyPhen-2) suggests that this variant is likely to be tolerated. In summary, the available evidence is currently insufficient to determine the role of this variant in disease. Therefore, it has been classified as a Variant of Uncertain Significance.

Ambry Genetics
Classification: Uncertain significance. Last evaluated: 2022-10-28. Review status: criteria provided, single submitter. Criteria: Ambry Variant Classification Scheme 2023. Collection method: clinical testing. Allele origin: germline.
Comment: The p.T236A variant (also known as c.706A>G), located in coding exon 1 of the EGLN1 gene, results from an A to G substitution at nucleotide position 706. The threonine at codon 236 is replaced by alanine, an amino acid with similar properties. This amino acid position is conserved. In addition, this alteration is predicted to be tolerated by in silico analysis. Since supporting evidence is limited at this time, the clinical significance of this alteration remains unclear.

NM_022051.3(EGLN1):c.706A>G (p.Thr236Ala)

Gene: EGLN1 (egl-9 family hypoxia inducible factor 1; minus strand). Cytogenetic location: 1q42.2.
Variant type: single nucleotide variant.
Coding change: c.706A>G on transcript NM_022051.3 (MANE Select); coding-DNA position 706, A replaced by G.
Protein change: p.Thr236Ala; replaces threonine 236 with alanine.
Molecular consequence: missense variant.
Genome position (GRCh38, 1-based): chr1:231,421,183, T>C on the plus strand (A>G on the coding strand, the complement: EGLN1 is on the minus strand). VCF-style: chr1-231421183-T-C. GRCh37 (hg19) VCF-style: chr1-231556929-T-C.
Other names: c.706A>G, p.Thr236Ala (NM_001377260.1, NM_001377261.1); short protein forms T236A.
Identifiers: ClinVar variation 1756982 (VCV001756982.7), dbSNP rs1343491211, ClinGen allele CA345235747.